The following is an entry in ClinVar:

NM_000465.4(BARD1):c.1280G>T (p.Arg427Ile)

Gene: BARD1 (BRCA1 associated RING domain 1; minus strand). Cytogenetic location: 2q35.
Variant type: single nucleotide variant.
Coding change: c.1280G>T on transcript NM_000465.4 (MANE Select); coding-DNA position 1280, G replaced by T.
Protein change: p.Arg427Ile; replaces arginine 427 with isoleucine.
Molecular consequence: missense variant. On other transcripts: non-coding transcript variant (2), intron variant (3).
Genome position (GRCh38, 1-based): chr2:214,780,594, C>A on the plus strand (G>T on the coding strand, the complement: BARD1 is on the minus strand). VCF-style: chr2-214780594-C-A. GRCh37 (hg19) VCF-style: chr2-215645318-C-A.
Other names: c.1223G>T, p.Arg408Ile (NM_001282543.2); c.159-28039G>T (NM_001282548.2); c.215+16467G>T (NM_001282545.2); c.364+11703G>T (NM_001282549.2); short protein forms R427I, R408I.
Identifiers: ClinVar variation 233789 (VCV000233789.15), dbSNP rs876660639, ClinGen allele CA10577813.

ClinVar aggregate classification (germline): Uncertain significance. Review status: criteria provided, multiple submitters, no conflicts (2 of 4 stars). 2 submissions from 2 submitters: Uncertain significance (2). Last evaluated 2018-12-19.

Conditions:
Familial cancer of breast. Also called: BREAST CANCER, FAMILIAL; hereditary breast carcinoma; Hereditary breast cancer. Identifiers: Orphanet 227535, MedGen C0346153, MONDO:0016419, OMIM 114480. Disease mechanism: loss of function.
Hereditary cancer-predisposing syndrome. Also called: Neoplastic Syndromes, Hereditary; Tumor predisposition; Hereditary Cancer Syndrome; Hereditary neoplastic syndrome. Identifiers: Orphanet 140162, MedGen C0027672, MeSH D009386, MONDO:0015356.

Allele frequency attached by ClinVar (database versions not stated): gnomAD exomes below 0.00001.
gnomAD v4.1: 1 of 1,614,020 alleles (0.000062%); highest among the groups gnomAD compares: Non-Finnish European, 0.000085%; no homozygotes.

Submissions (2):

Labcorp Genetics (formerly Invitae), Labcorp
Classification: Uncertain significance for Familial cancer of breast. Last evaluated: 2018-12-19. Review status: criteria provided, single submitter. Criteria: Invitae Variant Classification Sherloc (09022015). Collection method: clinical testing. Allele origin: germline.
Comment: Algorithms developed to predict the effect of missense changes on protein structure and function (SIFT, PolyPhen-2, Align-GVGD) all suggest that this variant is likely to be disruptive, but these predictions have not been confirmed by published functional studies and their clinical significance is uncertain. In summary, the available evidence is currently insufficient to determine the role of this variant in disease. Therefore, it has been classified as a Variant of Uncertain Significance. This variant has not been reported in the literature in individuals with BARD1-related conditions. ClinVar contains an entry for this variant (Variation ID: 233789). This sequence change replaces arginine with isoleucine at codon 427 of the BARD1 protein (p.Arg427Ile). The arginine residue is moderately conserved and there is a moderate physicochemical difference between arginine and isoleucine. This variant is not present in population databases (ExAC no frequency).

Ambry Genetics
Classification: Uncertain significance for Hereditary cancer-predisposing syndrome. Last evaluated: 2015-09-02. Review status: criteria provided, single submitter. Criteria: Ambry Variant Classification Scheme 2023. Collection method: clinical testing. Allele origin: germline.
Comment: The p.R427I variant (also known as c.1280G>T), located in coding exon 4 of the BARD1 gene, results from a G to T substitution at nucleotide position 1280. The arginine at codon 427 is replaced by isoleucine, an amino acid with similar properties. This variant was not reported in population based cohorts in the following databases: Database of Single Nucleotide Polymorphisms (dbSNP), NHLBI Exome Sequencing Project (ESP), and 1000 Genomes Project. In the ESP, this variant was not observed in 6503 samples (13006 alleles) with coverage at this position. This amino acid position is well conserved in available vertebrate species. To date, this alteration has been detected with an allele frequency of approximately 0.002% (greater than 65000 alleles tested) in our clinical cohort. In addition, this alteration is predicted to be tolerated by in silico analysis. Since supporting evidence is limited at this time, the clinical significance of p.R427I remains unclear.